The following is an entry in ClinVar:

NC_000011.10:g.17476966G>C

Gene: ABCC8 (ATP binding cassette subfamily C member 8; minus strand). Cytogenetic location: 11p15.1.
Variant type: single nucleotide variant.
Genome position: GRCh38 VCF-style: chr11-17476966-G-C. GRCh37 (hg19) VCF-style: chr11-17498513-G-C.
Other names: -64C-G; c.-190C>G (NM_000352.6).
Identifiers: ClinVar variation 9101 (VCV000009101.9), dbSNP rs1395224084, ClinGen allele CA674206958.
Genomic context (GRCh38, chr11:17,476,966, plus strand): 5'-AGCCCCGCTGGCCTCCCCCTCCCTCACCCCGCCCTGCTCCACCACCTGCGGGGCCGGGGG[G>C]CGGCGAGGAACCCGACCGGCCCTGCTACGCTTGCGCCCACCTTCCAGATGTGGAGGCGCG-3'

ClinVar aggregate classification (germline): Uncertain significance. Review status: criteria provided, multiple submitters, no conflicts (2 of 4 stars). 6 submissions from 5 submitters: Uncertain significance (4). 2 of the submissions do not count toward it. Last evaluated 2024-02-28.

Conditions:
Diabetes mellitus, permanent neonatal 3. Also called: ABCC8-Related Permanent Neonatal Diabetes Mellitus. Identifiers: MedGen C5394303, MONDO:0030088, OMIM 618857.
Hyperinsulinemic hypoglycemia, familial, 1 (HHF1). Also called: HYPERINSULINISM, FAMILIAL, WITH PANCREATIC NESIDIOBLASTOSIS; HYPOGLYCEMIA, HYPERINSULINEMIC, OF INFANCY; NESIDIOBLASTOSIS OF PANCREAS; Persistent Hyperinsulinemia Hypoglycemia of Infancy; Persistent hyperinsulinemic hypoglycemia of infancy. Identifiers: Orphanet 276575, Orphanet 276598, MedGen C2931832, MONDO:0009734, OMIM 256450.
Leucine-induced hypoglycemia (LIH). Also called: LEUCINE-SENSITIVE HYPOGLYCEMIA OF INFANCY. Identifiers: MedGen C0271714, MONDO:0009415, OMIM 240800.
Type 2 diabetes mellitus. Also called: Type II diabetes mellitus. Identifiers: MedGen C0011860, MeSH D003924, MONDO:0005148, OMIM 125853, HP:0005978.
Diabetes mellitus, transient neonatal, 2 (TNDM2). Identifiers: Orphanet 99886, MedGen C1835887, MONDO:0012480, OMIM 610374. Disease mechanism: loss of function.
ABCC8-related disorder.
Transitory neonatal diabetes mellitus. Also called: Transient neonatal diabetes mellitus. Identifiers: MedGen C0342273, MONDO:0020525, HP:0008255.
Maturity-onset diabetes of the young (MODY). Also called: Maturity onset diabetes mellitus in young. Identifiers: Orphanet 552, MedGen C0342276, MONDO:0018911, HP:0004904.

Allele frequency attached by ClinVar (database versions not stated): TOPMed below 0.00001; gnomAD 0.00001.

Submissions (6):

Fulgent Genetics
Classification: Uncertain significance for Type 2 diabetes mellitus; Leucine-induced hypoglycemia; Hyperinsulinemic hypoglycemia, familial, 1; Diabetes mellitus, transient neonatal, 2; Diabetes mellitus, permanent neonatal 3. Last evaluated: 2024-02-28. Review status: criteria provided, single submitter. Criteria: ACMG Guidelines, 2015. Collection method: clinical testing. Allele origin: germline.

Labcorp Genetics (formerly Invitae), Labcorp
Classification: Uncertain significance. Last evaluated: 2021-12-19. Review status: criteria provided, single submitter. Criteria: Invitae Variant Classification Sherloc (09022015). Collection method: clinical testing. Allele origin: germline.
Comment: This variant occurs in a non-coding region of the ABCC8 gene. It does not change the encoded amino acid sequence of the ABCC8 protein. This variant is not present in population databases (gnomAD no frequency). This variant has been observed in individual(s) with hyperinsulinism of infancy with diffuse pathology but a second variant was not observed in maternal allele (PMID: 15579781). This variant is also known as -64C>G. Algorithms developed to predict the effect of variants on protein structure and function are not available or were not evaluated for this variant. Experimental studies have shown that this variant affects ABCC8 function (PMID: 15579781). In summary, the available evidence is currently insufficient to determine the role of this variant in disease. Therefore, it has been classified as a Variant of Uncertain Significance.

Clinical Genomics, Uppaluri K&H Personalized Medicine Clinic
Classification: Uncertain significance for Maturity-onset diabetes of the young. Review status: criteria provided, single submitter. Criteria: K & H Uppaluri Personalized Medicine Clinic Variant Classification & Assertion Criteria_Updated V.1. Collection method: research. Allele origin: unknown. Inheritance: Somatic mutation.
Comment: Mutations in ABCC8 gene are associated with both neonatal diabetes mellitus as well as MODY. Patients with this mutation may have a better response to sulfonylureas. However, no sufficient evidence is found to ascertain the role of this particular variant ( rs1395224084) in MODY yet.

Clinical Genomics, Uppaluri K&H Personalized Medicine Clinic
Classification: Uncertain significance for Transitory neonatal diabetes mellitus. Review status: criteria provided, single submitter. Criteria: K & H Uppaluri Personalized Medicine Clinic Variant Classification & Assertion Criteria_Updated V.1. Collection method: research. Allele origin: unknown. Inheritance: Somatic mutation.
Comment: Mutations in ABCC8 gene are associated with both neonatal diabetes mellitus as well as MODY. Patients with this mutation may have a better response to sulfonylureas. However, no sufficient evidence is found to ascertain the role of this particular variant ( rs1395224084) in neonatal diabetes yet.

PreventionGenetics, part of Exact Sciences
Classification: Uncertain significance for ABCC8-related condition. Last evaluated: 2024-07-03. Review status: no assertion criteria provided. Collection method: clinical testing. Allele origin: germline. Not counted in ClinVar's aggregate classification.
Comment: The ABCC8 c.-190C>G variant is located in the 5' untranslated region. This variant (also described as -64C>G) has been reported in an individual with hyperinsulinism of infancy (Tornovsky et al. 2004. PubMed ID: 15579781). An in vitro luciferase reporter assay found that this variant reduced transcription levels to only ~40% relative to the wild type promoter (Tornovsky et al. 2004. PubMed ID: 15579781). This variant has not been reported in the gnomAD database, indicating this variant is rare. At this time, the clinical significance of this variant is uncertain due to the absence of conclusive functional and genetic evidence.

OMIM
Classification: Pathogenic for HYPERINSULINEMIC HYPOGLYCEMIA, FAMILIAL, 1. Last evaluated: 2004-12-01. Review status: no assertion criteria provided. Collection method: literature only. Allele origin: germline. Not counted in ClinVar's aggregate classification.

Literature cited by the submitters: PubMed 15579781 (cited by Labcorp Genetics (formerly Invitae), Labcorp and OMIM); PubMed 16885549 (cited by Clinical Genomics, Uppaluri K&H Personalized Medicine Clinic); PubMed 21989597 (cited by Clinical Genomics, Uppaluri K&H Personalized Medicine Clinic); PubMed 27538677 (cited by Clinical Genomics, Uppaluri K&H Personalized Medicine Clinic); PubMed 18981553 (cited by Clinical Genomics, Uppaluri K&H Personalized Medicine Clinic); PubMed 32027066 (cited by Clinical Genomics, Uppaluri K&H Personalized Medicine Clinic); PubMed 16613899 (cited by Clinical Genomics, Uppaluri K&H Personalized Medicine Clinic); PubMed 18025408 (cited by Clinical Genomics, Uppaluri K&H Personalized Medicine Clinic); PubMed 32792356 (cited by Clinical Genomics, Uppaluri K&H Personalized Medicine Clinic).